The following is an entry in ClinVar:

ClinVar aggregate classification (germline): Uncertain significance (1 of 4 stars; one submission).

Allele frequency attached by ClinVar (database versions not stated): gnomAD exomes below 0.00001.
gnomAD v4.1: 1 of 1,591,120 alleles (0.000063%); highest among the groups gnomAD compares: Non-Finnish European, 0.000086%; no homozygotes.

Submission:

Labcorp Genetics (formerly Invitae), Labcorp
Classification: Uncertain significance. Last evaluated: 2022-02-03. Review status: criteria provided, single submitter. Criteria: Invitae Variant Classification Sherloc (09022015). Collection method: clinical testing. Allele origin: germline.
Comment: This sequence change replaces leucine, which is neutral and non-polar, with phenylalanine, which is neutral and non-polar, at codon 4 of the ARL3 protein (p.Leu4Phe). This variant is not present in population databases (gnomAD no frequency). This missense change has been observed in individual(s) with retinal dystrophy (Invitae). ClinVar contains an entry for this variant (Variation ID: 1007628). Algorithms developed to predict the effect of missense changes on protein structure and function are either unavailable or do not agree on the potential impact of this missense change (SIFT: "Deleterious"; PolyPhen-2: "Probably Damaging"; Align-GVGD: "Class C0"). In summary, the available evidence is currently insufficient to determine the role of this variant in disease. Therefore, it has been classified as a Variant of Uncertain Significance.

NM_004311.4(ARL3):c.10C>T (p.Leu4Phe)

Gene: ARL3 (ARF like GTPase 3; minus strand). Cytogenetic location: 10q24.32.
Variant type: single nucleotide variant.
Coding change: c.10C>T on transcript NM_004311.4 (MANE Select); coding-DNA position 10, C replaced by T.
Protein change: p.Leu4Phe; replaces leucine 4 with phenylalanine.
Molecular consequence: missense variant.
Genome position (GRCh38, 1-based): chr10:102,705,483, G>A on the plus strand (C>T on the coding strand, the complement: ARL3 is on the minus strand). VCF-style: chr10-102705483-G-A. GRCh37 (hg19) VCF-style: chr10-104465240-G-A.
Other names: short protein forms L4F.
Identifiers: ClinVar variation 1007628 (VCV001007628.8), dbSNP rs2064304890, ClinGen allele CA377924085.